The following is an entry in ClinVar:

ClinVar aggregate classification (germline): Uncertain significance (1 of 4 stars; one submission).

Submission:

Ambry Genetics
Classification: Uncertain significance. Last evaluated: 2022-02-06. Review status: criteria provided, single submitter. Criteria: Ambry Variant Classification Scheme 2023. Collection method: clinical testing. Allele origin: germline.
Comment: The p.I1960F variant (also known as c.5878A>T), located in coding exon 8 of the ALPK2 gene, results from an A to T substitution at nucleotide position 5878. The isoleucine at codon 1960 is replaced by phenylalanine, an amino acid with highly similar properties. This amino acid position is conserved. In addition, this alteration is predicted to be tolerated by in silico analysis. Since supporting evidence is limited at this time, the clinical significance of this alteration remains unclear.

NM_052947.4(ALPK2):c.5878A>T (p.Ile1960Phe)

Gene: ALPK2 (alpha kinase 2; minus strand). Cytogenetic location: 18q21.31.
Variant type: single nucleotide variant.
Coding change: c.5878A>T on transcript NM_052947.4 (MANE Select); coding-DNA position 5878, A replaced by T.
Protein change: p.Ile1960Phe; replaces isoleucine 1960 with phenylalanine.
Molecular consequence: missense variant.
Genome position (GRCh38, 1-based): chr18:58,516,970, T>A on the plus strand (A>T on the coding strand, the complement: ALPK2 is on the minus strand). VCF-style: chr18-58516970-T-A. GRCh37 (hg19) VCF-style: chr18-56184202-T-A.
Other names: short protein forms I1960F.
Identifiers: ClinVar variation 1750229 (VCV001750229.2), dbSNP rs886411789, ClinGen allele CA300911394.
Genomic context (GRCh38, chr18:58,516,970, plus strand): 5'-GGGCAGCGAGTTTGTAGTTCCTTTGGATGAGCTCATCATTATTTCTGGTCCCATAGGCAA[T>A]GGCATTGTGCACCTTAAGCACACAGGCATGGCCAGGTTTGAAGACAGGCATGAGGCCGTG-3'
Protein context (NP_443179.3, residues 1950-1970): HACVLKVHNA[Ile1960Phe]AYGTRNNDEL